The following is an entry in ClinVar:

ClinVar aggregate classification (germline): Conflicting classifications of pathogenicity. Review status: criteria provided, conflicting classifications (1 of 4 stars). 3 submissions from 3 submitters: Uncertain significance (1); Likely benign (1). 1 of the submissions does not count toward it. Last evaluated 2025-05-14.

Conditions:
Inborn genetic diseases. Identifiers: MedGen C0950123, MeSH D030342.
46,XY sex reversal 9 (SRXY9). Also called: 46,XY SEX REVERSAL, ZFPM2-RELATED. Identifiers: Orphanet 251510, MedGen C4015129, MONDO:0014480, OMIM 616067.

Allele frequency attached by ClinVar (database versions not stated): gnomAD exomes 0.00006; ESP Exome Variant Server 0.00008; ExAC 0.00010; gnomAD 0.00026 and 0.00027; TOPMed 0.00031; 1000 Genomes Project 30x 0.00062; 1000 Genomes Project 0.00080.
gnomAD v4.1: 110 of 1,613,896 alleles (0.0068%); highest among the groups gnomAD compares: African/African-American, 0.1%; 1 homozygote.

Submissions (3):

Labcorp Genetics (formerly Invitae), Labcorp
Classification: Likely benign for 46,XY sex reversal 9. Last evaluated: 2025-05-14. Review status: criteria provided, single submitter. Criteria: Invitae Variant Classification Sherloc (09022015). Collection method: clinical testing. Allele origin: germline.

Ambry Genetics
Classification: Uncertain significance for Inborn genetic diseases. Last evaluated: 2024-10-20. Review status: criteria provided, single submitter. Criteria: Ambry Variant Classification Scheme 2023. Collection method: clinical testing. Allele origin: germline.

Department of Pathology and Laboratory Medicine, Sinai Health System
Classification: Uncertain significance. Review status: no assertion criteria provided. Collection method: clinical testing. Allele origin: unknown. Affected: yes. Study: The Canadian Open Genetics Repository (COGR). Not counted in ClinVar's aggregate classification.
Comment: The ZFPM2 p.Ser624Cys variant was not identified in the literature nor was it identified in LOVD 3.0. The variant was identified in dbSNP (ID: rs34248551) and ClinVar (classified as a VUS by Invitae). The variant was also identified in control databases in 24 of 279608 chromosomes at a frequency of 0.00008583 (Genome Aggregation Database March 6, 2019, v2.1.1). The variant was observed in the following populations: African in 21 of 24128 chromosomes (freq: 0.00087), Other in 2 of 7120 chromosomes (freq: 0.000281) and Latino in 1 of 35338 chromosomes (freq: 0.000028), but was not observed in the Ashkenazi Jewish, East Asian, European (Finnish), European (non-Finnish), and South Asian populations. The p.Ser624 residue is conserved in mammals and computational analyses (PolyPhen-2, SIFT, AlignGVGD, BLOSUM, MutationTaster) provide inconsistent predictions regarding the impact to the protein; this information is not very predictive of pathogenicity. The variant occurs outside of the splicing consensus sequence and in silico or computational prediction software programs (SpliceSiteFinder, MaxEntScan, NNSPLICE, GeneSplicer) do not predict a difference in splicing. In summary, based on the above information the clinical significance of this variant cannot be determined with certainty at this time. This variant is classified as a variant of uncertain significance.

NM_012082.4(ZFPM2):c.1871C>G (p.Ser624Cys)

Genes: ZFPM2-AS1 (ZFPM2 antisense RNA 1; minus strand), ZFPM2 (zinc finger protein, FOG family member 2; plus strand). Cytogenetic location: 8q23.1.
Variant type: single nucleotide variant.
Coding change: c.1871C>G on transcript NM_012082.4 (MANE Select); coding-DNA position 1871, C replaced by G.
Protein change: p.Ser624Cys; replaces serine 624 with cysteine.
Molecular consequence: missense variant.
Genome position (GRCh38, 1-based): chr8:105,801,953, C>G. VCF-style: chr8-105801953-C-G. GRCh37 (hg19) VCF-style: chr8-106814181-C-G.
Other names: c.1712C>G, p.Ser571Cys (NM_001362836.2); c.1475C>G, p.Ser492Cys (NM_001362837.2); short protein forms S624C, S492C, S571C.
Identifiers: ClinVar variation 544219 (VCV000544219.14), dbSNP rs34248551, ClinGen allele CA4839821.